The following is an entry in ClinVar:

NM_000059.4(BRCA2):c.-37T>C

Gene: BRCA2 (BRCA2 DNA repair associated; plus strand). Cytogenetic location: 13q13.1.
Variant type: single nucleotide variant.
Coding change: c.-37T>C on transcript NM_000059.4 (MANE Select); 37 bases upstream of the start codon, T replaced by C.
Molecular consequence: 5 prime UTR variant.
Genome position (GRCh38, 1-based): chr13:32,316,424, T>C. VCF-style: chr13-32316424-T-C. GRCh37 (hg19) VCF-style: chr13-32890561-T-C.
Other names: c.-37T>C (NM_001406719.1, NM_001406720.1, NM_001406721.1).
Identifiers: ClinVar variation 2027116 (VCV002027116.4), dbSNP rs2138697690, ClinGen allele CA2580086929.

ClinVar aggregate classification (germline): Uncertain significance (1 of 4 stars; one submission).

Conditions:
Hereditary breast ovarian cancer syndrome. Also called: BRCA1- and BRCA2-Associated Hereditary Breast and Ovarian Cancer; Hereditary breast and ovarian cancer; Hereditary breast and ovarian cancer syndrome (HBOC); Breast and ovarian cancer; Hereditary breast and ovarian cancer syndrome; Hereditary breast and/or ovarian cancer syndrome. Identifiers: Orphanet 145, MedGen C0677776, MeSH D061325, MONDO:0003582. Disease mechanism: loss of function.

Allele frequency attached by ClinVar (database versions not stated): gnomAD exomes below 0.00001.
gnomAD v4.1: 1 of 1,582,214 alleles (0.000063%); highest among the groups gnomAD compares: Non-Finnish European, 0.000087%; no homozygotes.

Submission:

Labcorp Genetics (formerly Invitae), Labcorp
Classification: Uncertain significance for Hereditary breast ovarian cancer syndrome. Last evaluated: 2022-12-15. Review status: criteria provided, single submitter. Criteria: Invitae Variant Classification Sherloc (09022015). Collection method: clinical testing. Allele origin: germline.
Comment: In summary, the available evidence is currently insufficient to determine the role of this variant in disease. Therefore, it has been classified as a Variant of Uncertain Significance. Experimental studies and prediction algorithms are not available or were not evaluated, and the functional significance of this variant is currently unknown. This variant has not been reported in the literature in individuals affected with BRCA2-related conditions. This variant is not present in population databases (gnomAD no frequency). This variant occurs in a non-coding region of the BRCA2 gene. It does not change the encoded amino acid sequence of the BRCA2 protein.